The following is an entry in ClinVar:

NM_002691.4(POLD1):c.653G>A (p.Arg218His)

Gene: POLD1 (DNA polymerase delta 1, catalytic subunit; plus strand). Cytogenetic location: 19q13.33.
Variant type: single nucleotide variant.
Coding change: c.653G>A on transcript NM_002691.4 (MANE Select); coding-DNA position 653, G replaced by A.
Protein change: p.Arg218His; replaces arginine 218 with histidine.
Molecular consequence: missense variant. On other transcripts: non-coding transcript variant (1).
Genome position (GRCh38, 1-based): chr19:50,402,268, G>A. VCF-style: chr19-50402268-G-A. GRCh37 (hg19) VCF-style: chr19-50905525-G-A.
Other names: c.653G>A, p.Arg218His (NM_001256849.1, NM_001308632.1); short protein forms R218H.
Identifiers: ClinVar variation 239365 (VCV000239365.49), dbSNP rs150010804, ClinGen allele CA9595850.

ClinVar aggregate classification (germline): Conflicting classifications of pathogenicity. Review status: criteria provided, conflicting classifications (1 of 4 stars). 12 submissions from 12 submitters: Uncertain significance (4); Benign (5); Likely benign (1). 2 of the submissions do not count toward it. Last evaluated 2026-02-04.

Conditions:
POLD1-related disorder. Also called: POLD1-related condition; POLD1-related disorders.
Hereditary cancer-predisposing syndrome. Also called: Tumor predisposition; Hereditary Cancer Syndrome; Neoplastic Syndromes, Hereditary; Hereditary neoplastic syndrome. Identifiers: Orphanet 140162, MedGen C0027672, MeSH D009386, MONDO:0015356.
POLD1-related polyposis and colorectal cancer syndrome (CRCS10). Also called: Colorectal cancer 10; COLORECTAL CANCER, SUSCEPTIBILITY TO, ON CHROMOSOME 19q; Colorectal cancer, susceptibility to, 10. Identifiers: Orphanet 220460, MedGen C2675481, MONDO:0012953, OMIM 612591.
Endometrial carcinoma. Also called: Endometrial carcinoma, somatic. Identifiers: MedGen C0476089, MONDO:0002447, OMIM 608089, HP:0012114.

Allele frequency attached by ClinVar (database versions not stated): gnomAD 0.00042 and 0.00045; TOPMed 0.00042; ESP Exome Variant Server 0.00085.
gnomAD v4.1: 782 of 1,604,992 alleles (0.049%); highest among the groups gnomAD compares: Non-Finnish European, 0.046%; 2 homozygotes.

Submissions (12):

Labcorp Genetics (formerly Invitae), Labcorp
Classification: Benign for POLD1-related polyposis and colorectal cancer syndrome. Last evaluated: 2026-02-04. Review status: criteria provided, single submitter. Criteria: Invitae Variant Classification Sherloc (09022015). Collection method: clinical testing. Allele origin: germline.

Center for Genomic Medicine, Rigshospitalet, Copenhagen University Hospital
Classification: Uncertain significance. Last evaluated: 2025-03-04. Review status: criteria provided, single submitter. Criteria: ACMG Guidelines, 2015. Collection method: clinical testing. Allele origin: germline.

CeGaT Center for Human Genetics Tuebingen
Classification: Likely benign. Last evaluated: 2024-10-01. Review status: criteria provided, single submitter. Criteria: CeGaT Center For Human Genetics Tuebingen Variant Classification Criteria Version 2. Collection method: clinical testing. Allele origin: germline. Affected: yes. Observed: 1 variant allele.
Comment: POLD1: BS1

Ambry Genetics
Classification: Benign for Hereditary cancer-predisposing syndrome. Last evaluated: 2024-02-28. Review status: criteria provided, single submitter. Criteria: Ambry Variant Classification Scheme 2023. Collection method: clinical testing. Allele origin: germline.

St. Jude Molecular Pathology, St. Jude Children's Research Hospital
Classification: Uncertain significance for POLD1-related polyposis and colorectal cancer syndrome. Last evaluated: 2021-07-10. Review status: criteria provided, single submitter. Criteria: St. Jude Assertion Criteria 2020. Collection method: clinical testing. Allele origin: germline.

Genetic Services Laboratory, University of Chicago
Classification: Benign. Last evaluated: 2021-05-25. Review status: criteria provided, single submitter. Criteria: ACMG Guidelines, 2015. Collection method: clinical testing. Allele origin: germline. Affected: no.

Women's Health and Genetics/Laboratory Corporation of America, LabCorp
Classification: Benign. Last evaluated: 2021-04-25. Review status: criteria provided, single submitter. Criteria: LabCorp Variant Classification Summary - May 2015. Collection method: clinical testing. Allele origin: germline.
Comment: Variant summary: POLD1 c.653G>A (p.Arg218His) results in a non-conservative amino acid change in the encoded protein sequence. Three of five in-silico tools predict a benign effect of the variant on protein function. The variant allele was found at a frequency of 0.00033 in 242300 control chromosomes. The observed variant frequency is approximately 23 fold of the estimated maximal expected allele frequency for a pathogenic variant in POLD1 causing Colorectal Cancer phenotype (1.4e-05), strongly suggesting that the variant is benign. To our knowledge, no occurrence of c.653G>A in individuals affected with Colorectal Cancer and no experimental evidence demonstrating its impact on protein function have been reported. Four clinical diagnostic laboratories have submitted clinical-significance assessments for this variant to ClinVar after 2014 without evidence for independent evaluation (VUS, n=3, benign, n=1). Based on the evidence outlined above, the variant was classified as benign.

ARUP Laboratories, Molecular Genetics and Genomics, ARUP Laboratories
Classification: Uncertain significance. Last evaluated: 2021-03-31. Review status: criteria provided, single submitter. Criteria: ARUP Molecular Germline Variant Investigation Process 2021. Collection method: clinical testing. Allele origin: germline.
Comment: The POLD1 c.653G>A; p.Arg218His variant (rs150010804), to our knowledge, has not been reported in the medical literature; however, this variant is listed in the ClinVar database (Variation ID: 239365). This variant is found in the general population with an overall allele frequency of 0.03% (87/275,000 alleles) in the Genome Aggregation Database. The arginine at codon 218 is moderately conserved, and computational analyses are uncertain whether this variant is neutral or deleterious (REVEL: 0.190). This variant is not located in the exonuclease domain (Palles 2013), and gene-disease association has not been established for variants outside of the exonuclease domain (Seifert 2019). However, based on the available information, the clinical significance of this variant is uncertain. References: Seifert BA et al. Determining the clinical validity of hereditary colorectal cancer and polyposis susceptibility genes using the Clinical Genome Resource Clinical Validity Framework. Genet Med. 2019 Jul;21(7):1507-1516. PMID: 30523343

Sema4
Classification: Benign for Hereditary cancer-predisposing syndrome. Last evaluated: 2020-12-29. Review status: criteria provided, single submitter. Criteria: Sema4 Curation Guidelines. Collection method: curation. Allele origin: germline.

GeneDx
Classification: Uncertain significance. Last evaluated: 2019-01-03. Review status: criteria provided, single submitter. Criteria: GeneDx Variant Classification (06012015). Collection method: clinical testing. Allele origin: germline. Affected: yes.
Comment: This variant is denoted POLD1 c.653G>A at the cDNA level, p.Arg218His (R218H) at the protein level, and results in the change of an Arginine to a Histidine (CGC>CAC). This variant has not, to our knowledge, been published in the literature as pathogenic or benign. POLD1 Arg218His was observed at an allele frequency of 0.42% (40/9490) in individuals of Ashkenazi Jewish ancestry in large population cohorts (Lek 2016). This variant is not located in a known functional domain. In silico analysis, which includes protein predictors and evolutionary conservation, supports a deleterious effect. Based on currently available evidence, it is unclear whether POLD1 Arg218His is pathogenic or benign. We consider it to be a variant of uncertain significance.

PreventionGenetics, part of Exact Sciences
Classification: Likely benign for POLD1-related condition. Last evaluated: 2020-01-21. Review status: no assertion criteria provided. Collection method: clinical testing. Allele origin: germline. Not counted in ClinVar's aggregate classification.
Comment: This variant is classified as likely benign based on ACMG/AMP sequence variant interpretation guidelines (Richards et al. 2015 PMID: 25741868, with internal and published modifications).

Department of Pathology and Laboratory Medicine, Sinai Health System
Classification: Uncertain significance for Endometrial carcinoma. Review status: no assertion criteria provided. Collection method: clinical testing. Allele origin: unknown. Affected: yes. Observed: 1 variant allele. Study: The Canadian Open Genetics Repository (COGR). Not counted in ClinVar's aggregate classification.
Comment: The POLD1 p.Arg218His variant was not identified in the literature nor was it identified in the Cosmic and MutDB. The variant was identified in the following databases: dbSNP (ID: rs150010804) â€šÃ„ÃºWith Uncertain significance alleleâ€šÃ„Ã¹, ClinVar (classified with conflicting interpretations of pathogenicity; submitters: likely benign by Invitae and uncertain significance by GeneDx, Ambry Genetics and Genetic Services Laboratory (University of Chicago)), Clinvitae (3x), and in control databases in 78 of 268790 chromosomes at a frequency of 0.0003 (Genome Aggregation Database Feb 27, 2017). It was observed in the following populations: African in 1 of 23620 chromosomes (freq: 0.00004), Other in 3 of 6274 chromosomes (freq: 0.0005), Latino in 1 of 33644 chromosomes (freq: 0.00003), European Non-Finnish in 33 of 122214 chromosomes (freq: 0.0003), Ashkenazi Jewish in 40 of 9490 chromosomes (freq: 0.004); it was not in the East Asian, European Finnish and South Asian populations. The p.Arg218 residue is not conserved in mammals and computational analyses (PolyPhen-2, SIFT, AlignGVGD, BLOSUM, MutationTaster) provide inconsistent predictions regarding the impact of the variant His to the protein; this information is not very predictive of pathogenicity. The variant occurs outside of the splicing consensus sequence and in silico or computational prediction software programs (SpliceSiteFinder, MaxEntScan, NNSPLICE, GeneSplicer, HumanSpliceFinder) do not predict a difference in splicing. In summary, based on the above information the clinical significance of this variant cannot be determined with certainty at this time. This variant is classified as a variant of uncertain significance.